The following is an entry in ClinVar:

ClinVar aggregate classification (germline): Pathogenic (0 of 4 stars; one submission).

Conditions:
Mismatch repair cancer syndrome 1 (MMRCS1). Also called: BRAIN TUMOR-POLYPOSIS SYNDROME 1; BTP1 SYNDROME; CHILDHOOD CANCER SYNDROME; MISMATCH REPAIR DEFICIENCY; MMR DEFICIENCY. Identifiers: Orphanet 252202, MedGen C5399763, MONDO:0010159, OMIM 276300. Disease mechanism: loss of function.

Submission:

Institute of Human Genetics, Medical University Innsbruck
Classification: Pathogenic for Mismatch repair cancer syndrome 1. Last evaluated: 2020-05-06. Review status: no assertion criteria provided. Collection method: research. Allele origin: germline. Affected: yes. Observed: 1 compound heterozygote.
Comment: This variant, NM_000535.6:c.(988+1_989-1)_(1144+1_1145-1)del, was found in compound heterozygosity with the pathogenic variant NM_000535.6:c.1831dupA. Sample UAB117 in Perez J et al, Genet Med (PMID: 32773772).

Literature cited by the submitters: PubMed 32773772.

NM_000535.6:c.(988+1_989-1)_(1144+1_1145-1)del

Gene: PMS2 (PMS1 homolog 2, mismatch repair system component; minus strand).
Variant type: Deletion.
Identifiers: ClinVar variation 977322 (VCV000977322.2).